The following is an entry in ClinVar:

NM_001308142.2(MRTFB):c.141C>T (p.Asn47=)

Gene: MRTFB (myocardin related transcription factor B; plus strand). Cytogenetic location: 16p13.12.
Variant type: single nucleotide variant.
Coding change: c.141C>T on transcript NM_001308142.2 (MANE Select); coding-DNA position 141, C replaced by T.
Protein change: p.Asn47=; no amino-acid change (asparagine 47 retained).
Molecular consequence: synonymous variant.
Genome position (GRCh38, 1-based): chr16:14,140,747, C>T. VCF-style: chr16-14140747-C-T. GRCh37 (hg19) VCF-style: chr16-14234604-C-T.
Other names: c.141C>T, p.Asn47= (NM_001365412.2, NM_001365417.3, NM_001365418.3 and 4 more transcripts).
Identifiers: ClinVar variation 710820 (VCV000710820.27), dbSNP rs79629931, ClinGen allele CA7910863.
Genomic context (GRCh38, chr16:14,140,747, plus strand): 5'-TGTGGCTCATGAATTCCAGGAACTCTCCTTGCAGTCCAGTCAAAACTTACCCCCTCTGAA[C>T]GAAAGGAAAAATGGTGAGTTCAGCATGTGCAATGGGATCTTTGATTTAAAGATTTCCCCT-3'
Protein context (NP_001295071.1, residues 37-57): LQSSQNLPPL[Asn47=]ERKNVLQLRL

ClinVar aggregate classification (germline): Benign/Likely benign. Review status: criteria provided, multiple submitters, no conflicts (2 of 4 stars). 2 submissions from 2 submitters: Benign (1); Likely benign (1). Last evaluated 2025-07-01.

Allele frequency attached by ClinVar (database versions not stated): ExAC 0.00218; gnomAD exomes 0.00224; gnomAD 0.00246 and 0.00252; 1000 Genomes Project 0.00280; TOPMed 0.00297; ESP Exome Variant Server 0.00331; 1000 Genomes Project 30x 0.00359.
gnomAD v4.1: 6,052 of 1,613,960 alleles (0.37%); highest among the groups gnomAD compares: Non-Finnish European, 0.46%; 13 homozygotes.

Submissions (2):

CeGaT Center for Human Genetics Tuebingen
Classification: Likely benign. Last evaluated: 2025-07-01. Review status: criteria provided, single submitter. Criteria: CeGaT Center For Human Genetics Tuebingen Variant Classification Criteria Version 2. Collection method: clinical testing. Allele origin: germline. Affected: yes. Observed: 3 variant alleles.
Comment: MRTFB: BP4, BP7, BS2

Labcorp Genetics (formerly Invitae), Labcorp
Classification: Benign. Last evaluated: 2017-11-20. Review status: criteria provided, single submitter. Criteria: Invitae Variant Classification Sherloc (09022015). Collection method: clinical testing. Allele origin: germline.